The following is an entry in ClinVar:

ClinVar aggregate classification (germline): Uncertain significance (1 of 4 stars; one submission).

gnomAD v4.1: 4 of 1,556,416 alleles (0.00026%); highest among the groups gnomAD compares: Middle Eastern, 0.018%; no homozygotes.

Submission:

GeneDx
Classification: Uncertain significance. Last evaluated: 2024-09-10. Review status: criteria provided, single submitter. Criteria: GeneDx Variant Classification Process June 2021. Collection method: clinical testing. Allele origin: germline. Affected: yes.
Comment: Has not been previously published as pathogenic or benign to our knowledge; Canonical splice site variant in a gene for which loss-of-function is not a known mechanism of disease

NM_021096.4(CACNA1I):c.2901+1G>A

Gene: CACNA1I (calcium voltage-gated channel subunit alpha1 I; plus strand). Cytogenetic location: 22q13.1.
Variant type: single nucleotide variant.
Coding change: c.2901+1G>A on transcript NM_021096.4 (MANE Select); the canonical splice donor site of the intron after coding-DNA position 2901, G replaced by A.
Molecular consequence: splice donor variant.
Genome position (GRCh38, 1-based): chr22:39,661,311, G>A. VCF-style: chr22-39661311-G-A. GRCh37 (hg19) VCF-style: chr22-40057316-G-A.
Other names: c.2796+1G>A (NM_001003406.2).
Identifiers: ClinVar variation 3769857 (VCV003769857.1).